The following is an entry in ClinVar:

ClinVar aggregate classification (germline): Uncertain significance (1 of 4 stars; one submission).

Conditions:
Renal cyst. Also called: Cystic kidney disease; Renal cysts; cystic kidneys. Identifiers: MedGen C3887499, MONDO:0002473, HP:0000107.

gnomAD v4.1: 2 of 1,598,298 alleles (0.00013%); highest among the groups gnomAD compares: Non-Finnish European, 0.00017%; no homozygotes.

Submission:

Victorian Clinical Genetics Services, Murdoch Childrens Research Institute
Classification: Uncertain significance for Renal cyst. Last evaluated: 2024-11-20. Review status: criteria provided, single submitter. Criteria: ACMG Guidelines, 2015. Collection method: clinical testing. Allele origin: germline. Affected: yes.
Comment: This variant is classified as VUS-3A. Evidence in support of pathogenic classification: Variant is present in gnomAD <0.001 for a dominant condition (v4: 2 heterozygote(s), 0 homozygote(s)). Additional information: Variant is predicted to result in a missense amino acid change from glycine to serine. This variant is located at the end of exon 9 in the non-canonical splice region and therefore, may affect splicing; This variant is heterozygous; This gene is associated with both recessive and dominant disease. Retinitis pigmentosa 80 (MIM#617781) and short-rib thoracic dysplasia 9 with or without polydactyly (MIM#266920) are inherited in an autosomal recessive manner, while cystic kidney disease (MONDO:0002473), IFT140-related, is inherited in an autosomal dominant manner (OMIM, PMID: 34890546); This variant has no previous evidence of pathogenicity; No published segregation evidence has been identified for this variant; No published functional evidence has been identified for this variant; No comparable missense variants have previous evidence for pathogenicity; Variant is not located in an established domain, motif, hotspot or informative constraint region; Missense variant with conflicting in silico predictions and uninformative conservation. Abnormal splicing is predicted by an in silico tool and affected nucleotide is highly conserved; Loss of function is a known mechanism of disease in this gene and is associated with retinitis pigmentosa 80 (MIM#617781), short-rib thoracic dysplasia 9 with or without polydactyly (MIM#266920) and cystic kidney disease (MONDO:0002473), IFT140-related (PMID: 34890546); The dominant condition associated with this gene may have incomplete penetrance. Parents of children with short-rib thoracic dysplasia 9 with or without polydactyly, who carry a single pathogenic variant that has also previously been associated with the dominant cystic kidney disease phenotype, have been reported as unaffected (PMID: 34890546). However, these parents weren't specifically assessed for cystic kidney disease; Inheritance information for this variant is not currently available in this individual.

Literature cited by the submitters: PubMed 34890546.

NM_014714.4(IFT140):c.1009G>A (p.Gly337Ser)

Genes: IFT140 (intraflagellar transport 140; minus strand), LOC105371046 (uncharacterized LOC105371046; plus strand). Cytogenetic location: 16p13.3.
Variant type: single nucleotide variant.
Coding change: c.1009G>A on transcript NM_014714.4 (MANE Select); coding-DNA position 1009, G replaced by A.
Protein change: p.Gly337Ser; replaces glycine 337 with serine.
Molecular consequence: missense variant.
Genome position (GRCh38, 1-based): chr16:1,587,198, C>T on the plus strand (G>A on the coding strand, the complement: IFT140 is on the minus strand). VCF-style: chr16-1587198-C-T. GRCh37 (hg19) VCF-style: chr16-1637199-C-T.
Other names: short protein forms G337S.
Identifiers: ClinVar variation 4531526 (VCV004531526.1).